The following is an entry in ClinVar:

NM_001042492.3(NF1):c.705C>A (p.Tyr235Ter)

Gene: NF1 (neurofibromin 1; plus strand). Cytogenetic location: 17q11.2.
Variant type: single nucleotide variant.
Coding change: c.705C>A on transcript NM_001042492.3 (MANE Select); coding-DNA position 705, C replaced by A.
Protein change: p.Tyr235Ter; replaces tyrosine 235 with a stop codon.
Molecular consequence: nonsense.
Genome position (GRCh38, 1-based): chr17:31,181,760, C>A. VCF-style: chr17-31181760-C-A. GRCh37 (hg19) VCF-style: chr17-29508778-C-A.
Other names: c.705C>A, p.Tyr235Ter (NM_000267.4, NM_001128147.3); short protein forms Y235*.
Identifiers: ClinVar variation 956712 (VCV000956712.6), dbSNP rs769048538, ClinGen allele CA398990064.
Genomic context (GRCh38, chr17:31,181,760, plus strand): 5'-TTATTTATAGGCATTTTGGAACTGGGTAGAAAATTATCCAGATGAATTTACAAAACTGTA[C>A]CAGATCCCACAGACTGATATGGCTGGTAAGGATACGATTGATTTTTTTTTTTTTTTTGTC-3'

ClinVar aggregate classification (germline): Pathogenic (1 of 4 stars; one submission).

Conditions:
Neurofibromatosis, type 1 (NF1). Also called: Peripheral type neurofibromatosis; VON RECKLINGHAUSEN DISEASE; NEUROFIBROMATOSIS, TYPE I, SOMATIC; Neurofibromatosis, type I. Identifiers: Orphanet 636, MedGen C0027831, MONDO:0018975, OMIM 162200. Disease mechanism: loss of function.

gnomAD v4.1: 1 of 1,608,190 alleles (0.000062%); highest among the groups gnomAD compares: Non-Finnish European, 0.000085%; no homozygotes.

Submission:

Labcorp Genetics (formerly Invitae), Labcorp
Classification: Pathogenic for Neurofibromatosis, type 1. Last evaluated: 2025-06-01. Review status: criteria provided, single submitter. Criteria: Invitae Variant Classification Sherloc (09022015). Collection method: clinical testing. Allele origin: germline.
Comment: This sequence change creates a premature translational stop signal (p.Tyr235*) in the NF1 gene. It is expected to result in an absent or disrupted protein product. Loss-of-function variants in NF1 are known to be pathogenic (PMID: 10712197, 23913538). This variant is not present in population databases (gnomAD no frequency). This premature translational stop signal has been observed in individual(s) with clinical features of neurofibromatosis type 1 (PMID: 18546366, 25074460). Invitae Evidence Modeling of clinical and family history, age, sex, and reported ancestry of multiple individuals with this NF1 variant has been performed. This variant is expected to be pathogenic with a positive predictive value of at least 99%. This is a validated machine learning model that incorporates the clinical features of 1,785,918 individuals referred to our laboratory for NF1 testing. ClinVar contains an entry for this variant (Variation ID: 956712). For these reasons, this variant has been classified as Pathogenic.

Literature cited by the submitters: PubMed 10712197; PubMed 23913538; PubMed 18546366; PubMed 25074460.